The following is an entry in ClinVar:

NM_002381.5(MATN3):c.20C>G (p.Ala7Gly)

Gene: MATN3 (matrilin 3; minus strand). Cytogenetic location: 2p24.1.
Variant type: single nucleotide variant.
Coding change: c.20C>G on transcript NM_002381.5 (MANE Select); coding-DNA position 20, C replaced by G.
Protein change: p.Ala7Gly; replaces alanine 7 with glycine.
Molecular consequence: missense variant.
Genome position (GRCh38, 1-based): chr2:20,012,612, G>C on the plus strand (C>G on the coding strand, the complement: MATN3 is on the minus strand). VCF-style: chr2-20012612-G-C. GRCh37 (hg19) VCF-style: chr2-20212373-G-C.
Other names: short protein forms A7G.
Identifiers: ClinVar variation 3661801 (VCV003661801.2).
Genomic context (GRCh38, chr2:20,012,612, plus strand): 5'-GCGGCGGAGGGCAGCAGCAGCAGCGGCCAGAGCAGCAGGAGGAGTCCCGGGAGGCGGCGC[G>C]CGGGGGCCGGGCGCGGCATGGTGGGCTCCGTGGGCCTGGTGGTGTCCGTCGGGGGCCAGG-3'
Protein context (NP_002372.1, residues 1-17): MPRPAP[Ala7Gly]RRLPGLLLLL

ClinVar aggregate classification (germline): Uncertain significance (1 of 4 stars; one submission).

Submission:

Labcorp Genetics (formerly Invitae), Labcorp
Classification: Uncertain significance. Last evaluated: 2024-10-10. Review status: criteria provided, single submitter. Criteria: Invitae Variant Classification Sherloc (09022015). Collection method: clinical testing. Allele origin: germline.
Comment: This sequence change replaces alanine, which is neutral and non-polar, with glycine, which is neutral and non-polar, at codon 7 of the MATN3 protein (p.Ala7Gly). This variant is not present in population databases (gnomAD no frequency). This variant has not been reported in the literature in individuals affected with MATN3-related conditions. Experimental studies and prediction algorithms are not available or were not evaluated, and the functional significance of this variant is currently unknown. In summary, the available evidence is currently insufficient to determine the role of this variant in disease. Therefore, it has been classified as a Variant of Uncertain Significance.